The following is an entry in ClinVar:

ClinVar aggregate classification (germline): Uncertain significance (1 of 4 stars; one submission).

Conditions:
DICER1-related tumor predisposition. Also called: DICER1-related pleuropulmonary blastoma cancer predisposition syndrome; DICER1 syndrome. Identifiers: Orphanet 284343, MedGen C3839822, MONDO:0100216.

Submission:

Labcorp Genetics (formerly Invitae), Labcorp
Classification: Uncertain significance for DICER1-related tumor predisposition. Last evaluated: 2025-07-15. Review status: criteria provided, single submitter. Criteria: Invitae Variant Classification Sherloc (09022015). Collection method: clinical testing. Allele origin: germline.
Comment: This sequence change replaces isoleucine, which is neutral and non-polar, with valine, which is neutral and non-polar, at codon 298 of the DICER1 protein (p.Ile298Val). This variant is not present in population databases (gnomAD no frequency). This variant has not been reported in the literature in individuals affected with DICER1-related conditions. Invitae Evidence Modeling of protein sequence and biophysical properties (such as structural, functional, and spatial information, amino acid conservation, physicochemical variation, residue mobility, and thermodynamic stability) indicates that this missense variant is not expected to disrupt DICER1 protein function with a negative predictive value of 95%. In summary, the available evidence is currently insufficient to determine the role of this variant in disease. Therefore, it has been classified as a Variant of Uncertain Significance.

NM_177438.3(DICER1):c.892A>G (p.Ile298Val)

Gene: DICER1 (dicer 1, ribonuclease III; minus strand). Cytogenetic location: 14q32.13.
Variant type: single nucleotide variant.
Coding change: c.892A>G on transcript NM_177438.3 (MANE Select); coding-DNA position 892, A replaced by G.
Protein change: p.Ile298Val; replaces isoleucine 298 with valine.
Molecular consequence: missense variant. On other transcripts: non-coding transcript variant (6), 5 prime UTR variant (1).
Genome position (GRCh38, 1-based): chr14:95,126,591, T>C on the plus strand (A>G on the coding strand, the complement: DICER1 is on the minus strand). VCF-style: chr14-95126591-T-C. GRCh37 (hg19) VCF-style: chr14-95592928-T-C.
Other names: c.892A>G, p.Ile298Val (NM_001395700.1, NM_030621.4, NM_001395692.1 and 14 more transcripts); c.487A>G, p.Ile163Val (NM_001395696.1, NM_001395698.1, NM_001395687.1 and 3 more transcripts); c.-677A>G (NM_001395697.1); c.610A>G, p.Ile204Val (NM_001395686.1); c.325A>G, p.Ile109Val (NM_001395691.1); short protein forms I163V, I204V, I298V, I109V.
Identifiers: ClinVar variation 4746782 (VCV004746782.1).